The following is an entry in ClinVar:

NM_004181.5(UCHL1):c.292G>A (p.Ala98Thr)

Gene: UCHL1 (ubiquitin C-terminal hydrolase L1; plus strand). Cytogenetic location: 4p13.
Variant type: single nucleotide variant.
Coding change: c.292G>A on transcript NM_004181.5 (MANE Select); coding-DNA position 292, G replaced by A.
Protein change: p.Ala98Thr; replaces alanine 98 with threonine.
Molecular consequence: missense variant.
Genome position (GRCh38, 1-based): chr4:41,260,764, G>A. VCF-style: chr4-41260764-G-A. GRCh37 (hg19) VCF-style: chr4-41262781-G-A.
Other names: short protein forms A98T.
Identifiers: ClinVar variation 1969303 (VCV001969303.5), dbSNP rs748417996, ClinGen allele CA2899971.

ClinVar aggregate classification (germline): Uncertain significance (1 of 4 stars; one submission).

Allele frequency attached by ClinVar (database versions not stated): gnomAD exomes below 0.00001; ExAC 0.00001; gnomAD 0.00001; TOPMed 0.00001.

Submission:

Labcorp Genetics (formerly Invitae), Labcorp
Classification: Uncertain significance. Last evaluated: 2022-09-28. Review status: criteria provided, single submitter. Criteria: Invitae Variant Classification Sherloc (09022015). Collection method: clinical testing. Allele origin: germline.
Comment: This variant has not been reported in the literature in individuals affected with UCHL1-related conditions. Algorithms developed to predict the effect of missense changes on protein structure and function are either unavailable or do not agree on the potential impact of this missense change (SIFT: "Deleterious"; PolyPhen-2: "Possibly Damaging"; Align-GVGD: "Class C0"). In summary, the available evidence is currently insufficient to determine the role of this variant in disease. Therefore, it has been classified as a Variant of Uncertain Significance. This sequence change replaces alanine, which is neutral and non-polar, with threonine, which is neutral and polar, at codon 98 of the UCHL1 protein (p.Ala98Thr). This variant is present in population databases (rs748417996, gnomAD 0.003%).